The following is an entry in ClinVar:

ClinVar aggregate classification (germline): Pathogenic/Likely pathogenic. Review status: criteria provided, multiple submitters, no conflicts (2 of 4 stars). 3 submissions from 3 submitters: Pathogenic (1); Likely pathogenic (1). 1 of the submissions does not count toward it. Last evaluated 2024-09-30.

Conditions:
ABCA4-related disorder. Also called: ABCA4-related disorders; ABCA4-related condition. Identifiers: MedGen CN239167.
Stargardt disease (FFM). Also called: Stargardt's disease; Fundus flavimaculatus. Identifiers: Orphanet 827, MedGen C0271093, MONDO:0019353.

Submissions (3):

Labcorp Genetics (formerly Invitae), Labcorp
Classification: Pathogenic. Last evaluated: 2024-09-30. Review status: criteria provided, single submitter. Criteria: Invitae Variant Classification Sherloc (09022015). Collection method: clinical testing. Allele origin: germline.
Comment: This sequence change creates a premature translational stop signal (p.Ile1687Phefs*15) in the ABCA4 gene. It is expected to result in an absent or disrupted protein product. Loss-of-function variants in ABCA4 are known to be pathogenic (PMID: 10958761, 24938718, 25312043, 26780318). This variant is not present in population databases (gnomAD no frequency). This variant has not been reported in the literature in individuals affected with ABCA4-related conditions. ClinVar contains an entry for this variant (Variation ID: 812201). Algorithms developed to predict the effect of sequence changes on RNA splicing suggest that this variant may disrupt the consensus splice site. For these reasons, this variant has been classified as Pathogenic.

Blueprint Genetics
Classification: Likely pathogenic for ABCA4-related disorders. Last evaluated: 2021-03-24. Review status: criteria provided, single submitter. Criteria: ACMG Guidelines, 2015. Collection method: clinical testing. Allele origin: germline. Affected: yes. Observed: 2 variant alleles.

Sharon lab, Hadassah-Hebrew University Medical Center
Classification: Pathogenic for Stargardt disease. Last evaluated: 2019-06-23. Review status: no assertion criteria provided. Collection method: research. Allele origin: inherited. Affected: yes. Not counted in ClinVar's aggregate classification.

Literature cited by the submitters: PubMed 10958761 (cited by Labcorp Genetics (formerly Invitae), Labcorp); PubMed 24938718 (cited by Labcorp Genetics (formerly Invitae), Labcorp); PubMed 25312043 (cited by Labcorp Genetics (formerly Invitae), Labcorp); PubMed 26780318 (cited by Labcorp Genetics (formerly Invitae), Labcorp).

NM_000350.3(ABCA4):c.5059del (p.Ile1687fs)

Gene: ABCA4 (ATP binding cassette subfamily A member 4; minus strand). Cytogenetic location: 1p22.1.
Variant type: Deletion.
Coding change: c.5059del on transcript NM_000350.3 (MANE Select); coding-DNA position 5059, one base deleted (A; older notation c.5059delA).
Protein change: p.Ile1687fs; shifts the reading frame from isoleucine 1687.
Molecular consequence: frameshift variant.
Genome position (GRCh38, 1-based): chr1:94,019,719, T deleted on the plus strand (A on the coding strand, the reverse complement: ABCA4 is on the minus strand). VCF-style (leftmost placement, unchanged base first): chr1-94019718-AT-A. GRCh37 (hg19) VCF-style: chr1-94485274-AT-A.
Other names: c.4837delA, p.Ile1613Phefs (NM_001425324.1); short protein forms I1687fs.
Identifiers: ClinVar variation 812201 (VCV000812201.5), dbSNP rs1571256775, ClinGen allele CA915941327.